The following is an entry in ClinVar:

NM_000475.5(NR0B1):c.899C>T (p.Ala300Val)

Gene: NR0B1 (nuclear receptor subfamily 0 group B member 1; minus strand). Cytogenetic location: Xp21.2.
Variant type: single nucleotide variant.
Coding change: c.899C>T on transcript NM_000475.5 (MANE Select); coding-DNA position 899, C replaced by T.
Protein change: p.Ala300Val; replaces alanine 300 with valine.
Molecular consequence: missense variant.
Genome position (GRCh38, 1-based): chrX:30,308,465, G>A on the plus strand (C>T on the coding strand, the complement: NR0B1 is on the minus strand). VCF-style: chrX-30308465-G-A. GRCh37 (hg19) VCF-style: chrX-30326582-G-A.
Other names: short protein forms A300V.
Identifiers: ClinVar variation 2138498 (VCV002138498.4), dbSNP rs2519051075, ClinGen allele CA412547377.

ClinVar aggregate classification (germline): Likely pathogenic (1 of 4 stars; one submission).

Conditions:
Congenital adrenal hypoplasia, X-linked (AHC). Also called: Isolated X-Linked Adrenal Hypoplasia Congenita; ADRENAL HYPOPLASIA, CONGENITAL, WITH HYPOGONADOTROPIC HYPOGONADISM; X-linked AHC; X-Linked Adrenal Hypoplasia Congenita. Identifiers: Orphanet 95702, MedGen C0342482, MONDO:0010264, OMIM 300200. Disease mechanism: loss of function.
46,XY sex reversal 2. Also called: NR0B1-Related 46,XY CGD; NR0B1-related 46,XY complete gonadal dysgenesis; 46,XY SEX REVERSAL, DAX1-RELATED; 46XY sex reversal 2, dosage-sensitive; Dosage-sensitive sex reversal. Identifiers: MedGen C1848296, MONDO:0010226, OMIM 300018.

Submission:

Labcorp Genetics (formerly Invitae), Labcorp
Classification: Likely pathogenic for Congenital adrenal hypoplasia, X-linked; 46,XY sex reversal 2. Last evaluated: 2024-02-19. Review status: criteria provided, single submitter. Criteria: Invitae Variant Classification Sherloc (09022015). Collection method: clinical testing. Allele origin: germline.
Comment: This sequence change replaces alanine, which is neutral and non-polar, with valine, which is neutral and non-polar, at codon 300 of the NR0B1 protein (p.Ala300Val). This variant is not present in population databases (gnomAD no frequency). This missense change has been observed in individuals with X-linked congenital adrenal hypoplasia (PMID: 9063431; Invitae). It has also been observed to segregate with disease in related individuals. ClinVar contains an entry for this variant (Variation ID: 2138498). Advanced modeling of protein sequence and biophysical properties (such as structural, functional, and spatial information, amino acid conservation, physicochemical variation, residue mobility, and thermodynamic stability) has been performed at Invitae for this missense variant, however the output from this modeling did not meet the statistical confidence thresholds required to predict the impact of this variant on NR0B1 protein function. Experimental studies have shown that this missense change affects NR0B1 function (PMID: 11443184). This variant disrupts the p.Ala300 amino acid residue in NR0B1. Other variant(s) that disrupt this residue have been observed in individuals with NR0B1-related conditions (PMID: 11443184), which suggests that this may be a clinically significant amino acid residue. In summary, the currently available evidence indicates that the variant is pathogenic, but additional data are needed to prove that conclusively. Therefore, this variant has been classified as Likely Pathogenic.

Literature cited by the submitters: PubMed 9063431; PubMed 11443184.